The following is an entry in ClinVar:

NM_130384.3(ATRIP):c.1364G>A (p.Cys455Tyr)

Genes: ATRIP (ATR interacting protein; plus strand), ATRIP-TREX1 (ATRIP-TREX1 readthrough; plus strand). Cytogenetic location: 3p21.31.
Variant type: single nucleotide variant.
Coding change: c.1364G>A on transcript NM_130384.3 (MANE Select); coding-DNA position 1364, G replaced by A.
Protein change: p.Cys455Tyr; replaces cysteine 455 with tyrosine.
Molecular consequence: missense variant. On other transcripts: non-coding transcript variant (1).
Genome position (GRCh38, 1-based): chr3:48,460,418, G>A. VCF-style: chr3-48460418-G-A. GRCh37 (hg19) VCF-style: chr3-48501817-G-A.
Other names: c.983G>A, p.Cys328Tyr (NM_001271022.2); c.1085G>A, p.Cys362Tyr (NM_001271023.2); c.1364G>A, p.Cys455Tyr (NM_032166.4); short protein forms C328Y, C362Y, C455Y.
Identifiers: ClinVar variation 3809096 (VCV003809096.1).

ClinVar aggregate classification (germline): Uncertain significance (1 of 4 stars; one submission).

Submission:

Ambry Genetics
Classification: Uncertain significance. Last evaluated: 2024-12-16. Review status: criteria provided, single submitter. Criteria: Ambry Variant Classification Scheme 2023. Collection method: clinical testing. Allele origin: germline.
Comment: The p.C455Y variant (also known as c.1364G>A), located in coding exon 8 of the ATRIP gene, results from a G to A substitution at nucleotide position 1364. The cysteine at codon 455 is replaced by tyrosine, an amino acid with highly dissimilar properties. This amino acid position is conserved. In addition, this alteration is predicted to be tolerated by in silico analysis. Based on the available evidence, the clinical significance of this variant remains unclear.